The following is an entry in ClinVar:

ClinVar aggregate classification (germline): Uncertain significance (1 of 4 stars; one submission).

Conditions:
Growth hormone insensitivity with immune dysregulation 1, autosomal recessive. Also called: GROWTH HORMONE INSENSITIVITY SYNDROME WITH IMMUNE DYSREGULATION 1, AUTOSOMAL RECESSIVE; GROWTH HORMONE INSENSITIVITY DUE TO POSTRECEPTOR DEFECT; LARON SYNDROME DUE TO POSTRECEPTOR DEFECT; Laron syndrome with immunodeficiency. Identifiers: Orphanet 220465, MedGen C5435698, MONDO:0100211, OMIM 245590.

Allele frequency attached by ClinVar (database versions not stated): gnomAD exomes below 0.00001.
gnomAD v4.1: 2 of 1,614,168 alleles (0.00012%); highest among the groups gnomAD compares: Non-Finnish European, 0.00017%; no homozygotes.

Submission:

Labcorp Genetics (formerly Invitae), Labcorp
Classification: Uncertain significance for Growth hormone insensitivity with immune dysregulation 1, autosomal recessive. Last evaluated: 2020-06-15. Review status: criteria provided, single submitter. Criteria: Invitae Variant Classification Sherloc (09022015). Collection method: clinical testing. Allele origin: germline.
Comment: This sequence change replaces methionine with threonine at codon 742 of the STAT5B protein (p.Met742Thr). The methionine residue is moderately conserved and there is a moderate physicochemical difference between methionine and threonine. This variant is not present in population databases (ExAC no frequency). This variant has not been reported in the literature in individuals with STAT5B-related conditions. Algorithms developed to predict the effect of missense changes on protein structure and function are either unavailable or do not agree on the potential impact of this missense change (SIFT: "Deleterious"; PolyPhen-2: "Benign"; Align-GVGD: "Class C25"). In summary, the available evidence is currently insufficient to determine the role of this variant in disease. Therefore, it has been classified as a Variant of Uncertain Significance.

NM_012448.4(STAT5B):c.2225T>C (p.Met742Thr)

Gene: STAT5B (signal transducer and activator of transcription 5B; minus strand). Cytogenetic location: 17q21.2.
Variant type: single nucleotide variant.
Coding change: c.2225T>C on transcript NM_012448.4 (MANE Select); coding-DNA position 2225, T replaced by C.
Protein change: p.Met742Thr; replaces methionine 742 with threonine.
Molecular consequence: missense variant.
Genome position (GRCh38, 1-based): chr17:42,202,352, A>G on the plus strand (T>C on the coding strand, the complement: STAT5B is on the minus strand). VCF-style: chr17-42202352-A-G. GRCh37 (hg19) VCF-style: chr17-40354370-A-G.
Other names: short protein forms M742T.
Identifiers: ClinVar variation 1044786 (VCV001044786.9), dbSNP rs2080051897, ClinGen allele CA399573159.